The following is an entry in ClinVar:

NM_000548.5(TSC2):c.3739A>C (p.Thr1247Pro)

Gene: TSC2 (TSC complex subunit 2; plus strand). Cytogenetic location: 16p13.3.
Variant type: single nucleotide variant.
Coding change: c.3739A>C on transcript NM_000548.5 (MANE Select); coding-DNA position 3739, A replaced by C.
Protein change: p.Thr1247Pro; replaces threonine 1247 with proline.
Molecular consequence: missense variant. On other transcripts: non-coding transcript variant (5).
Genome position (GRCh38, 1-based): chr16:2,081,723, A>C. VCF-style: chr16-2081723-A-C. GRCh37 (hg19) VCF-style: chr16-2131724-A-C.
Other names: c.3148A>C, p.Thr1050Pro (NM_001406681.1); c.3139A>C, p.Thr1047Pro (NM_001406682.1, NM_001406683.1, NM_001406680.1); c.3136A>C, p.Thr1046Pro (NM_001406684.1); c.3010A>C, p.Thr1004Pro (NM_001406685.1, NM_001406686.1); c.3007A>C, p.Thr1003Pro (NM_001406687.1, NM_001406688.1, NM_001318831.2); c.2395A>C, p.Thr799Pro (NM_001406689.1); c.3628A>C, p.Thr1210Pro (NM_001406670.1); c.3598A>C, p.Thr1200Pro (NM_001406671.1); and 18 more; short protein forms T1003P, T1004P, T1046P, T1047P, T1050P, T1154P, T1155P, T1166P.
Identifiers: ClinVar variation 4880884 (VCV004880884.2).

ClinVar aggregate classification (germline): Uncertain significance (1 of 4 stars; one submission).

Conditions:
Tuberous sclerosis 2 (TSC2). Identifiers: Orphanet 805, MedGen C1860707, MONDO:0013199, OMIM 613254.

Submission:

Dasa
Classification: Uncertain significance for Tuberous sclerosis 2. Last evaluated: 2024-07-30. Review status: criteria provided, single submitter. Criteria: DASA Assertion Criteria. Collection method: clinical testing. Allele origin: germline.
Comment: NM_000548.5(TSC2):c.3739A>C (p.Thr1247Pro) is a missense variant that results in the substitution of threonine with proline. This variant is absent from population databases. The currently available literature and clinical evidence are not sufficient to establish a definitive association between this variant and the reported condition. Therefore, this variant is classified as a variant of uncertain significance.